The following is an entry in ClinVar:

NM_001377540.1(SLMAP):c.2242C>T (p.Arg748Trp)

Gene: SLMAP (sarcolemma associated protein; plus strand). Cytogenetic location: 3p14.3.
Variant type: single nucleotide variant.
Coding change: c.2242C>T on transcript NM_001377540.1 (MANE Select); coding-DNA position 2242, C replaced by T.
Protein change: p.Arg748Trp; replaces arginine 748 with tryptophan.
Molecular consequence: missense variant. On other transcripts: non-coding transcript variant (1).
Genome position (GRCh38, 1-based): chr3:57,917,009, C>T. VCF-style: chr3-57917009-C-T. GRCh37 (hg19) VCF-style: chr3-57902736-C-T.
Other names: c.2191C>T, p.Arg731Trp (NM_001304420.3, NM_001377541.1, NM_001377542.1); c.2077C>T, p.Arg693Trp (NM_001304421.2, NM_001377557.1, NM_001377559.1); c.793C>T, p.Arg265Trp (NM_001304422.3, NM_001311178.2); c.2140C>T, p.Arg714Trp (NM_001377549.1, NM_007159.5); c.2128C>T, p.Arg710Trp (NM_001377551.1, NM_001377552.1); c.2119C>T, p.Arg707Trp (NM_001377555.1); c.2068C>T, p.Arg690Trp (NM_001377562.1, NM_001377921.1); c.2056C>T, p.Arg686Trp (NM_001377922.1); and 8 more; short protein forms R265W, R693W, R707W, R710W, R673W, R690W, R748W, R199W.
Identifiers: ClinVar variation 3717813 (VCV003717813.2).

ClinVar aggregate classification (germline): Uncertain significance (1 of 4 stars; one submission).

Conditions:
Brugada syndrome. Also called: Sudden unexpected nocturnal death syndrome; Sudden unexplained nocturnal death syndrome; Sudden Unexplained Death Syndrome; Sudden Unexplained Nocturnal Death Syndrome (SUNDS). Identifiers: Orphanet 130, MedGen C1142166, MONDO:0015263.

gnomAD v4.1: 10 of 1,613,840 alleles (0.00062%); highest among the groups gnomAD compares: South Asian, 0.0011%; no homozygotes.

Submission:

Labcorp Genetics (formerly Invitae), Labcorp
Classification: Uncertain significance for Brugada syndrome. Last evaluated: 2024-05-07. Review status: criteria provided, single submitter. Criteria: Invitae Variant Classification Sherloc (09022015). Collection method: clinical testing. Allele origin: germline.
Comment: This sequence change replaces arginine, which is basic and polar, with tryptophan, which is neutral and slightly polar, at codon 714 of the SLMAP protein (p.Arg714Trp). This variant is present in population databases (rs752100585, gnomAD 0.0009%). This variant has not been reported in the literature in individuals affected with SLMAP-related conditions. An algorithm developed to predict the effect of missense changes on protein structure and function (PolyPhen-2) suggests that this variant is likely to be disruptive. In summary, the available evidence is currently insufficient to determine the role of this variant in disease. Therefore, it has been classified as a Variant of Uncertain Significance.